The following is an entry in ClinVar:

NM_031844.3(HNRNPU):c.1256T>C (p.Leu419Pro)

Gene: HNRNPU (heterogeneous nuclear ribonucleoprotein U; minus strand). Cytogenetic location: 1q44.
Variant type: single nucleotide variant.
Coding change: c.1256T>C on transcript NM_031844.3 (MANE Select); coding-DNA position 1256, T replaced by C.
Protein change: p.Leu419Pro; replaces leucine 419 with proline.
Molecular consequence: missense variant.
Genome position (GRCh38, 1-based): chr1:244,858,249, A>G on the plus strand (T>C on the coding strand, the complement: HNRNPU is on the minus strand). VCF-style: chr1-244858249-A-G. GRCh37 (hg19) VCF-style: chr1-245021551-A-G.
Other names: c.1199T>C, p.Leu400Pro (NM_004501.3); short protein forms L400P, L419P.
Identifiers: ClinVar variation 3649446 (VCV003649446.2).

ClinVar aggregate classification (germline): Uncertain significance (1 of 4 stars; one submission).

Conditions:
Developmental and epileptic encephalopathy, 54. Also called: Epileptic encephalopathy, early infantile, 54; HNRNPU-Related Neurodevelopmental Disorder. Identifiers: MedGen C4479319, MONDO:0033363, OMIM 617391.

Submission:

Labcorp Genetics (formerly Invitae), Labcorp
Classification: Uncertain significance for Developmental and epileptic encephalopathy, 54. Last evaluated: 2024-04-10. Review status: criteria provided, single submitter. Criteria: Invitae Variant Classification Sherloc (09022015). Collection method: clinical testing. Allele origin: germline.
Comment: This sequence change replaces leucine, which is neutral and non-polar, with proline, which is neutral and non-polar, at codon 419 of the HNRNPU protein (p.Leu419Pro). This variant is not present in population databases (gnomAD no frequency). This variant has not been reported in the literature in individuals affected with HNRNPU-related conditions. Advanced modeling of protein sequence and biophysical properties (such as structural, functional, and spatial information, amino acid conservation, physicochemical variation, residue mobility, and thermodynamic stability) performed at Invitae indicates that this missense variant is expected to disrupt HNRNPU protein function with a positive predictive value of 80%. In summary, the available evidence is currently insufficient to determine the role of this variant in disease. Therefore, it has been classified as a Variant of Uncertain Significance.